The following is an entry in ClinVar:

NM_000202.8(IDS):c.1158C>T (p.Ser386=)

Genes: IDS (iduronate 2-sulfatase; minus strand), LOC106050102 (IDS recombination region; plus strand). Cytogenetic location: Xq28.
Variant type: single nucleotide variant.
Coding change: c.1158C>T on transcript NM_000202.8 (MANE Select); coding-DNA position 1158, C replaced by T.
Protein change: p.Ser386=; no amino-acid change (serine 386 retained).
Molecular consequence: synonymous variant.
Genome position (GRCh38, 1-based): chrX:149,486,947, G>A on the plus strand (C>T on the coding strand, the complement: IDS is on the minus strand). VCF-style: chrX-149486947-G-A. GRCh37 (hg19) VCF-style: chrX-148568478-G-A.
Other names: c.888C>T, p.Ser296= (NM_001166550.4).
Identifiers: ClinVar variation 1166346 (VCV001166346.28), dbSNP rs372340411, ClinGen allele CA10537490.

ClinVar aggregate classification (germline): Benign/Likely benign. Review status: criteria provided, multiple submitters, no conflicts (2 of 4 stars). 3 submissions from 3 submitters: Benign (1); Likely benign (1). 1 of the submissions does not count toward it. Last evaluated 2025-12-16.

Conditions:
Mucopolysaccharidosis, MPS-III-A (MPS3A). Also called: MUCOPOLYSACCHARIDOSIS, TYPE IIIA, ATTENUATED; HEPARAN SULFATE SULFATASE DEFICIENCY; SANFILIPPO SYNDROME A; SULFAMIDASE DEFICIENCY; Mucopolysaccharidosis, type IIIA; MPS III A. Identifiers: Orphanet 581, Orphanet 79269, MedGen C0086647, MONDO:0009655, OMIM 252900.
Mucopolysaccharidosis, MPS-II (MPS2). Also called: Attenuated MPS (subtype; formerly known as mild MPS II); Severe MPS II; I2S deficiency; MPS 2; Hunter Syndrome; IDURONATE 2-SULFATASE DEFICIENCY. Identifiers: Orphanet 580, Orphanet 79388, MedGen C0026705, MONDO:0010674, OMIM 309900.

Allele frequency attached by ClinVar (database versions not stated): ExAC 0.00005; gnomAD 0.00005; TOPMed 0.00006; gnomAD exomes 0.00009 and 0.00010.
gnomAD v4.1: 116 of 1,210,044 alleles (0.0096%); highest among the groups gnomAD compares: Middle Eastern, 0.046%; 1 homozygote.

Submissions (3):

Labcorp Genetics (formerly Invitae), Labcorp
Classification: Benign for Mucopolysaccharidosis, MPS-II. Last evaluated: 2025-12-16. Review status: criteria provided, single submitter. Criteria: Invitae Variant Classification Sherloc (09022015). Collection method: clinical testing. Allele origin: germline.

CeGaT Center for Human Genetics Tuebingen
Classification: Likely benign. Last evaluated: 2025-08-01. Review status: criteria provided, single submitter. Criteria: CeGaT Center For Human Genetics Tuebingen Variant Classification Criteria Version 2. Collection method: clinical testing. Allele origin: germline. Affected: yes. Observed: 2 variant alleles.
Comment: IDS: BP4, BP7, BS2

Natera, Inc.
Classification: Likely benign for Mucopolysaccharidosis type IIIA. Last evaluated: 2021-07-09. Review status: no assertion criteria provided. Collection method: clinical testing. Allele origin: germline. Not counted in ClinVar's aggregate classification.